The following is an entry in ClinVar:

ClinVar aggregate classification (germline): Uncertain significance (1 of 4 stars; one submission).

gnomAD v4.1: 63 of 1,379,604 alleles (0.0046%); highest among the groups gnomAD compares: Non-Finnish European, 0.0055%; no homozygotes.

Submission:

Labcorp Genetics (formerly Invitae), Labcorp
Classification: Uncertain significance. Last evaluated: 2025-10-06. Review status: criteria provided, single submitter. Criteria: Invitae Variant Classification Sherloc (09022015). Collection method: clinical testing. Allele origin: germline.
Comment: This sequence change replaces alanine, which is neutral and non-polar, with proline, which is neutral and non-polar, at codon 405 of the AMH protein (p.Ala405Pro). This variant is present in population databases (rs781584095, gnomAD 0.02%). This missense change has been observed in individual(s) with clinical features of persistent Müllerian duct syndrome (PMID: 18547961). An algorithm developed to predict the effect of missense changes on protein structure and function (PolyPhen-2) suggests that this variant is likely to be disruptive. In summary, the available evidence is currently insufficient to determine the role of this variant in disease. Therefore, it has been classified as a Variant of Uncertain Significance.

Literature cited by the submitters: PubMed 18547961.

NM_000479.5(AMH):c.1213G>C (p.Ala405Pro)

Gene: AMH (anti-Mullerian hormone; plus strand). Cytogenetic location: 19p13.3.
Variant type: single nucleotide variant.
Coding change: c.1213G>C on transcript NM_000479.5 (MANE Select); coding-DNA position 1213, G replaced by C.
Protein change: p.Ala405Pro; replaces alanine 405 with proline.
Molecular consequence: missense variant.
Genome position (GRCh38, 1-based): chr19:2,251,487, G>C. VCF-style: chr19-2251487-G-C. GRCh37 (hg19) VCF-style: chr19-2251486-G-C.
Other names: short protein forms A405P.
Identifiers: ClinVar variation 4745288 (VCV004745288.1).
Genomic context (GRCh38, chr19:2,251,487, plus strand): 5'-GCGGCGGCTGCCGAGCTGCGAAGCCTCCCGGGTCTGCCTCCGGCCACAGCCCCGCTGCTG[G>C]CGCGCCTGCTCGCGCTCTGCCCAGGTGGCCCCGGCGGCCTCGGCGATCCCCTGCGAGCGC-3'
Protein context (NP_000470.3, residues 395-415): GLPPATAPLL[Ala405Pro]RLLALCPGGP